The following is an entry in ClinVar:

NM_006662.3(SRCAP):c.9053G>A (p.Arg3018Gln)

Gene: SRCAP (Snf2 related CREBBP activator protein; plus strand). Cytogenetic location: 16p11.2.
Variant type: single nucleotide variant.
Coding change: c.9053G>A on transcript NM_006662.3 (MANE Select); coding-DNA position 9053, G replaced by A.
Protein change: p.Arg3018Gln; replaces arginine 3018 with glutamine.
Molecular consequence: missense variant.
Genome position (GRCh38, 1-based): chr16:30,739,093, G>A. VCF-style: chr16-30739093-G-A. GRCh37 (hg19) VCF-style: chr16-30750414-G-A.
Other names: c.9053G>A (NM_006662.2); short protein forms R3018Q.
Identifiers: ClinVar variation 2997277 (VCV002997277.6), dbSNP rs758528131, ClinGen allele CA8012822.

ClinVar aggregate classification (germline): Uncertain significance. Review status: criteria provided, multiple submitters, no conflicts (2 of 4 stars). 4 submissions from 4 submitters: Uncertain significance (4). Last evaluated 2025-12-03.

Conditions:
SRCAP-related disorder. Also called: SRCAP-related condition.
Developmental delay, hypotonia, musculoskeletal defects, and behavioral abnormalities. Identifiers: MedGen C5562012, MONDO:0859202, OMIM 619595.
Floating-Harbor syndrome (FLHS). Also called: Short stature with delayed bone age, expressive language delay, a triangular face with a prominent nose and deep-set eyes; Pelletier-Leisti syndrome; SRCAP-Related Floating-Harbor Syndrome. Identifiers: Orphanet 2044, MedGen C0729582, MONDO:0007621, OMIM 136140.
Inborn genetic diseases. Identifiers: MedGen C0950123, MeSH D030342.

Allele frequency attached by ClinVar (database versions not stated): TOPMed below 0.00001; ExAC 0.00001; gnomAD 0.00001.
gnomAD v4.1: 31 of 1,614,120 alleles (0.0019%); highest among the groups gnomAD compares: Middle Eastern, 0.016%; no homozygotes.

Submissions (4):

Ambry Genetics
Classification: Uncertain significance for Inborn genetic diseases. Last evaluated: 2025-12-03. Review status: criteria provided, single submitter. Criteria: Ambry Variant Classification Scheme 2023. Collection method: clinical testing. Allele origin: germline.

Labcorp Genetics (formerly Invitae), Labcorp
Classification: Uncertain significance. Last evaluated: 2025-09-30. Review status: criteria provided, single submitter. Criteria: Invitae Variant Classification Sherloc (09022015). Collection method: clinical testing. Allele origin: germline.
Comment: This sequence change replaces arginine, which is basic and polar, with glutamine, which is neutral and polar, at codon 3018 of the SRCAP protein (p.Arg3018Gln). This variant is present in population databases (rs758528131, gnomAD 0.003%). This variant has not been reported in the literature in individuals affected with SRCAP-related conditions. ClinVar contains an entry for this variant (Variation ID: 2997277). Invitae Evidence Modeling of protein sequence and biophysical properties (such as structural, functional, and spatial information, amino acid conservation, physicochemical variation, residue mobility, and thermodynamic stability) indicates that this missense variant is not expected to disrupt SRCAP protein function with a negative predictive value of 80%. In summary, the available evidence is currently insufficient to determine the role of this variant in disease. Therefore, it has been classified as a Variant of Uncertain Significance.

PreventionGenetics, part of Exact Sciences
Classification: Uncertain significance for SRCAP-related condition. Last evaluated: 2025-03-24. Review status: criteria provided, single submitter. Criteria: ACMG Guidelines, 2015. Collection method: clinical testing. Allele origin: germline.
Comment: The SRCAP c.9053G>A variant is predicted to result in the amino acid substitution p.Arg3018Gln. To our knowledge, this variant has not been reported in the literature. This variant is reported in 0.0029% of alleles in individuals of Latino descent in gnomAD. At this time, the clinical significance of this variant is uncertain due to the absence of conclusive functional and genetic evidence.

Fulgent Genetics
Classification: Uncertain significance for Floating-Harbor syndrome; Developmental delay, hypotonia, musculoskeletal defects, and behavioral abnormalities. Last evaluated: 2024-05-21. Review status: criteria provided, single submitter. Criteria: ACMG Guidelines, 2015. Collection method: clinical testing. Allele origin: germline.